The following is an entry in ClinVar:

ClinVar aggregate classification (germline): Uncertain significance (1 of 4 stars; one submission).

Submission:

Dasa
Classification: Uncertain significance. Last evaluated: 2024-11-17. Review status: criteria provided, single submitter. Criteria: DASA Assertion Criteria. Collection method: clinical testing. Allele origin: germline.
Comment: NM_003718.5(CDK13):c.80A>G (p.Lys27Arg) is a missense variant that results in the substitution of lysine with arginine. This variant is rare in population databases. Computational prediction algorithms are consistent with a benign effect. The currently available literature and clinical evidence are not sufficient to establish a definitive association between this variant and the reported condition. Therefore, this variant is classified as a variant of uncertain significance.

NM_003718.5(CDK13):c.80A>G (p.Lys27Arg)

Gene: CDK13 (cyclin dependent kinase 13; plus strand). Cytogenetic location: 7p14.1.
Variant type: single nucleotide variant.
Coding change: c.80A>G on transcript NM_003718.5 (MANE Select); coding-DNA position 80, A replaced by G.
Protein change: p.Lys27Arg; replaces lysine 27 with arginine.
Molecular consequence: missense variant.
Genome position (GRCh38, 1-based): chr7:39,950,721, A>G. VCF-style: chr7-39950721-A-G. GRCh37 (hg19) VCF-style: chr7-39990320-A-G.
Other names: c.80A>G, p.Lys27Arg (NM_031267.4); short protein forms K27R.
Identifiers: ClinVar variation 4881250 (VCV004881250.2).
Genomic context (GRCh38, chr7:39,950,721, plus strand): 5'-CGGCGCTGGGGGGAGGCGGGGGCCTGAGCTGGGCGGAGAAGAAGTTGGAGGAACGCCGCA[A>G]GCGGAGGCGATTCCTGTCCCCTCAGCAGCCGCCGCTGCTGTTGCCGCTCCTGCAGCCGCA-3'
Protein context (NP_003709.3, residues 17-37): WAEKKLEERR[Lys27Arg]RRRFLSPQQP